The following is an entry in ClinVar:

ClinVar aggregate classification (germline): Likely benign (0 of 4 stars; one submission).

Conditions:
PTPRO-related disorder. Also called: PTPRO-related condition.

Submission:

PreventionGenetics, part of Exact Sciences
Classification: Likely benign for PTPRO-related condition. Last evaluated: 2022-04-15. Review status: no assertion criteria provided. Collection method: clinical testing. Allele origin: germline.
Comment: This variant is classified as likely benign based on ACMG/AMP sequence variant interpretation guidelines (Richards et al. 2015 PMID: 25741868, with internal and published modifications).

NM_030667.3(PTPRO):c.1891+8A>T

Gene: PTPRO (protein tyrosine phosphatase receptor type O; plus strand). Cytogenetic location: 12p12.3.
Variant type: single nucleotide variant.
Coding change: c.1891+8A>T on transcript NM_030667.3 (MANE Select); 8 bases into the intron after coding-DNA position 1891, A replaced by T.
Molecular consequence: intron variant.
Genome position (GRCh38, 1-based): chr12:15,520,320, A>T. VCF-style: chr12-15520320-A-T. GRCh37 (hg19) VCF-style: chr12-15673254-A-T.
Other names: c.1891+8A>T (NM_002848.4).
Identifiers: ClinVar variation 3045811 (VCV003045811.2), dbSNP rs1415797479, ClinGen allele CA2740092342.